The following is an entry in ClinVar:

ClinVar aggregate classification (germline): Uncertain significance. Review status: criteria provided, multiple submitters, no conflicts (2 of 4 stars). 5 submissions from 5 submitters: Uncertain significance (5). Last evaluated 2024-02-13.

Conditions:
Autosomal recessive limb-girdle muscular dystrophy type 2P. Also called: MUSCULAR DYSTROPHY-DYSTROGLYCANOPATHY, LIMB-GIRDLE, DAG1-RELATED; Limb-Girdle Muscular Dystrophy Type 9C; MUSCULAR DYSTROPHY, LIMB-GIRDLE, TYPE 2P. Identifiers: Orphanet 280333, MedGen C4511963, MONDO:0013440, OMIM 613818.
Muscular dystrophy-dystroglycanopathy (congenital with brain and eye anomalies), type A9. Also called: WALKER-WARBURG SYNDROME OR MUSCLE-EYE BRAIN DISEASE, DAG1-RELATED; Muscular dystrophy-dystroglycanopathy (congenital with brain and eye anomalies), type a, 9. Identifiers: Orphanet 370997, Orphanet 899, MedGen C4225291, MONDO:0014683, OMIM 616538.
Inborn genetic diseases. Identifiers: MedGen C0950123, MeSH D030342.

Allele frequency attached by ClinVar (database versions not stated): gnomAD 0.00006; gnomAD exomes 0.00004; ExAC 0.00005; TOPMed 0.00005; ESP Exome Variant Server 0.00015.

Submissions (5):

Revvity Omics, Revvity
Classification: Uncertain significance. Last evaluated: 2024-02-13. Review status: criteria provided, single submitter. Criteria: ACMG Guidelines, 2015. Collection method: clinical testing. Allele origin: germline.

Ambry Genetics
Classification: Uncertain significance for Inborn genetic diseases. Last evaluated: 2022-09-06. Review status: criteria provided, single submitter. Criteria: Ambry Variant Classification Scheme 2023. Collection method: clinical testing. Allele origin: germline.

Labcorp Genetics (formerly Invitae), Labcorp
Classification: Uncertain significance for Autosomal recessive limb-girdle muscular dystrophy type 2P; Muscular dystrophy-dystroglycanopathy (congenital with brain and eye anomalies), type A9. Last evaluated: 2022-07-19. Review status: criteria provided, single submitter. Criteria: Invitae Variant Classification Sherloc (09022015). Collection method: clinical testing. Allele origin: germline.
Comment: This sequence change replaces isoleucine, which is neutral and non-polar, with valine, which is neutral and non-polar, at codon 82 of the DAG1 protein (p.Ile82Val). This variant is present in population databases (rs141706514, gnomAD 0.007%). This variant has not been reported in the literature in individuals affected with DAG1-related conditions. ClinVar contains an entry for this variant (Variation ID: 286716). Algorithms developed to predict the effect of missense changes on protein structure and function output the following: SIFT: "Tolerated"; PolyPhen-2: "Benign"; Align-GVGD: "Class C0". The valine amino acid residue is found in multiple mammalian species, which suggests that this missense change does not adversely affect protein function. In summary, the available evidence is currently insufficient to determine the role of this variant in disease. Therefore, it has been classified as a Variant of Uncertain Significance.

GeneDx
Classification: Uncertain significance. Last evaluated: 2019-07-12. Review status: criteria provided, single submitter. Criteria: GeneDx Variant Classification Process June 2021. Collection method: clinical testing. Allele origin: germline. Affected: yes.
Comment: Not observed at a significant frequency in large population cohorts (Lek et al., 2016); In silico analysis, which includes protein predictors and evolutionary conservation, supports that this variant does not alter protein structure/function; Has not been previously published as pathogenic or benign to our knowledge

Eurofins Ntd Llc (ga)
Classification: Uncertain significance. Last evaluated: 2016-03-17. Review status: criteria provided, single submitter. Criteria: EGL Classification Definitions 2015. Collection method: clinical testing. Allele origin: germline. Observed: 1 variant allele, 1 heterozygote.

NM_004393.6(DAG1):c.244A>G (p.Ile82Val)

Gene: DAG1 (dystroglycan 1; plus strand). Cytogenetic location: 3p21.31.
Variant type: single nucleotide variant.
Coding change: c.244A>G on transcript NM_004393.6 (MANE Select); coding-DNA position 244, A replaced by G.
Protein change: p.Ile82Val; replaces isoleucine 82 with valine.
Molecular consequence: missense variant.
Genome position (GRCh38, 1-based): chr3:49,510,778, A>G. VCF-style: chr3-49510778-A-G. GRCh37 (hg19) VCF-style: chr3-49548211-A-G.
Other names: c.244A>G (NM_004393.4); c.244A>G, p.Ile82Val (NM_001165928.4, NM_001177634.3, NM_001177635.3 and 9 more transcripts); short protein forms I82V.
Identifiers: ClinVar variation 286716 (VCV000286716.12), dbSNP rs141706514, ClinGen allele CA2398852.